The following is an entry in ClinVar:

NM_000178.4(GSS):c.368_382del (p.Leu123_Tyr128delinsHis)

Gene: GSS (glutathione synthetase; minus strand). Cytogenetic location: 20q11.22.
Variant type: Deletion.
Coding change: c.368_382del on transcript NM_000178.4 (MANE Select); coding-DNA positions 368 to 382, 15 bases deleted (TGAATCGCTCAGACT).
Protein change: p.Leu123_Tyr128delinsHis.
Molecular consequence: inframe indel.
Genome position (GRCh38, 1-based): chr20:34,942,597-34,942,611, AGTCTGAGCGATTCA deleted on the plus strand (TGAATCGCTCAGACT on the coding strand, the reverse complement: GSS is on the minus strand). VCF-style (leftmost placement, unchanged base first): chr20-34942596-TAGTCTGAGCGATTCA-T. GRCh37 (hg19) VCF-style: chr20-33530399-TAGTCTGAGCGATTCA-T.
Other names: c.368_382del, p.Leu123_Tyr128delinsHis (NM_001322494.1, NM_001322495.1).
Identifiers: ClinVar variation 953992 (VCV000953992.7), dbSNP rs2081492603, ClinGen allele CA1017159298.
Genomic context (GRCh38, chr20:34,942,596, plus strand): 5'-ATGGTGTTGATTTCGATCTGTTTCAGGGCTGGGGAGCCATCTGCGCTGCGCTGGAACATG[TAGTCTGAGCGATTCA>T]GGCCCAGGAACACAGTCTGTGGGGAAAACTGAAGGCTGACAGTACCTGCCCAGGGACTGA-3'

ClinVar aggregate classification (germline): Pathogenic (1 of 4 stars; one submission).

Conditions:
Glutathione synthetase deficiency with 5-oxoprolinuria. Also called: 5-Oxoprolinuria; 5-OXOPROLINURIA DUE TO GLUTATHIONE SYNTHETASE DEFICIENCY; Reduced glutathione synthetase level; Gluthathione synthetase deficiency; PYROGLUTAMIC ACIDURIA. Identifiers: Orphanet 289846, MedGen C0398746, MONDO:0009947, OMIM 266130, HP:0003343.

Allele frequency attached by ClinVar (database versions not stated): gnomAD exomes below 0.00001; gnomAD 0.00001; TOPMed 0.00002.

Submission:

Labcorp Genetics (formerly Invitae), Labcorp
Classification: Pathogenic for Glutathione synthetase deficiency with 5-oxoprolinuria. Last evaluated: 2024-07-01. Review status: criteria provided, single submitter. Criteria: Invitae Variant Classification Sherloc (09022015). Collection method: clinical testing. Allele origin: germline.
Comment: This variant, c.368_382del, is a complex sequence change that results in the deletion of 6 and insertion of 1 amino acid(s) in the GSS protein (p.Leu123_Tyr128delinsHis). This variant is not present in population databases (gnomAD no frequency). This variant has not been reported in the literature in individuals affected with GSS-related conditions. ClinVar contains an entry for this variant (Variation ID: 953992). Experimental studies and prediction algorithms are not available or were not evaluated, and the functional significance of this variant is currently unknown. This variant disrupts a region of the GSS protein in which other variant(s) (p.Arg125Cys) have been determined to be pathogenic (PMID: 8896573, 10861239, 11445798). This suggests that this is a clinically significant region of the protein, and that variants that disrupt it are likely to be disease-causing. For these reasons, this variant has been classified as Pathogenic.

Literature cited by the submitters: PubMed 8896573; PubMed 10861239; PubMed 11445798.